The following is an entry in ClinVar:

NM_000088.4(COL1A1):c.1763C>A (p.Ala588Asp)

Gene: COL1A1 (collagen type I alpha 1 chain; minus strand). Cytogenetic location: 17q21.33.
Variant type: single nucleotide variant.
Coding change: c.1763C>A on transcript NM_000088.4 (MANE Select); coding-DNA position 1763, C replaced by A.
Protein change: p.Ala588Asp; replaces alanine 588 with aspartic acid.
Molecular consequence: missense variant.
Genome position (GRCh38, 1-based): chr17:50,193,947, G>T on the plus strand (C>A on the coding strand, the complement: COL1A1 is on the minus strand). VCF-style: chr17-50193947-G-T. GRCh37 (hg19) VCF-style: chr17-48271308-G-T.
Other names: short protein forms A588D.
Identifiers: ClinVar variation 953394 (VCV000953394.10), dbSNP rs771593907, ClinGen allele CA8645127.
Genomic context (GRCh38, chr17:50,193,947, plus strand): 5'-TCAAGTCTCAGGTGTGTTTGTCCCTGGCTCTTCATGGATCCTCACTTAATACTCACAGCA[G>T]CACCTTTAGGTCCAGGGAATCCCATCACACCAGCCTGACCACGGGCACCAGGTGGGCCTG-3'
Protein context (NP_000079.2, residues 578-598): GVMGFPGPKG[Ala588Asp]AGEPGKAGER

ClinVar aggregate classification (germline): Uncertain significance (1 of 4 stars; one submission).

Conditions:
Osteogenesis imperfecta type I (OI1). Also called: OI, TYPE I; OSTEOGENESIS IMPERFECTA TARDA; OSTEOGENESIS IMPERFECTA WITH BLUE SCLERAE; Osteogenesis imperfecta type 1; Lobstein disease; Classic Non-deforming Osteogenesis Imperfecta with Blue Sclerae. Identifiers: Orphanet 216796, Orphanet 666, MedGen C0023931, MONDO:0008146, OMIM 166200. Disease mechanism: loss of function.

Allele frequency attached by ClinVar (database versions not stated): gnomAD exomes below 0.00001 and 0.00001; ExAC 0.00001.
gnomAD v4.1: 4 of 1,613,878 alleles (0.00025%); highest among the groups gnomAD compares: Non-Finnish European, 0.00034%; no homozygotes.

Submission:

Labcorp Genetics (formerly Invitae), Labcorp
Classification: Uncertain significance for Osteogenesis imperfecta type I. Last evaluated: 2022-01-19. Review status: criteria provided, single submitter. Criteria: Invitae Variant Classification Sherloc (09022015). Collection method: clinical testing. Allele origin: germline.
Comment: This variant has not been reported in the literature in individuals affected with COL1A1-related conditions. This variant is present in population databases (rs771593907, gnomAD 0.002%). This sequence change replaces alanine, which is neutral and non-polar, with aspartic acid, which is acidic and polar, at codon 588 of the COL1A1 protein (p.Ala588Asp). ClinVar contains an entry for this variant (Variation ID: 953394). In summary, the available evidence is currently insufficient to determine the role of this variant in disease. Therefore, it has been classified as a Variant of Uncertain Significance. Algorithms developed to predict the effect of sequence changes on RNA splicing suggest that this variant may create or strengthen a splice site. Advanced modeling of protein sequence and biophysical properties (such as structural, functional, and spatial information, amino acid conservation, physicochemical variation, residue mobility, and thermodynamic stability) performed at Invitae indicates that this missense variant is not expected to disrupt COL1A1 protein function.